The following is an entry in ClinVar:

ClinVar aggregate classification (germline): Uncertain significance (1 of 4 stars; one submission).

Conditions:
PCNT-related disorder. Also called: PCNT-related condition.

gnomAD v4.1: 11 of 1,613,834 alleles (0.00068%); highest among the groups gnomAD compares: African/African-American, 0.013%; no homozygotes.

Submission:

PreventionGenetics, part of Exact Sciences
Classification: Uncertain significance for PCNT-related condition. Last evaluated: 2026-08-24. Review status: criteria provided, single submitter. Criteria: ACMG Guidelines, 2015. Collection method: clinical testing. Allele origin: germline.
Comment: The PCNT c.8509A>C variant is predicted to result in the amino acid substitution p.Lys2837Gln. To our knowledge, this variant has not been reported in the literature. This variant is reported in 0.016% of alleles in individuals of African descent in gnomAD. At this time, the clinical significance of this variant is uncertain due to the absence of conclusive functional and genetic evidence.

NM_006031.6(PCNT):c.8509A>C (p.Lys2837Gln)

Gene: PCNT (pericentrin; plus strand). Cytogenetic location: 21q22.3.
Variant type: single nucleotide variant.
Coding change: c.8509A>C on transcript NM_006031.6 (MANE Select); coding-DNA position 8509, A replaced by C.
Protein change: p.Lys2837Gln; replaces lysine 2837 with glutamine.
Molecular consequence: missense variant.
Genome position (GRCh38, 1-based): chr21:46,431,973, A>C. VCF-style: chr21-46431973-A-C. GRCh37 (hg19) VCF-style: chr21-47851887-A-C.
Other names: c.8155A>C, p.Lys2719Gln (NM_001315529.2); short protein forms K2719Q, K2837Q.
Identifiers: ClinVar variation 4978534 (VCV004978534.1).